The following is an entry in ClinVar:

NM_013266.4(CTNNA3):c.970C>A (p.His324Asn)

Gene: CTNNA3 (catenin alpha 3; minus strand). Cytogenetic location: 10q21.3.
Variant type: single nucleotide variant.
Coding change: c.970C>A on transcript NM_013266.4 (MANE Select); coding-DNA position 970, C replaced by A.
Protein change: p.His324Asn; replaces histidine 324 with asparagine.
Molecular consequence: missense variant.
Genome position (GRCh38, 1-based): chr10:67,180,394, G>T on the plus strand (C>A on the coding strand, the complement: CTNNA3 is on the minus strand). VCF-style: chr10-67180394-G-T. GRCh37 (hg19) VCF-style: chr10-68940152-G-T.
Other names: c.970C>A, p.His324Asn (NM_001127384.3); c.1006C>A, p.His336Asn (NM_001291133.2); short protein forms H324N, H336N.
Identifiers: ClinVar variation 5035028 (VCV005035028.1).

ClinVar aggregate classification (germline): Uncertain significance (1 of 4 stars; one submission).

gnomAD v4.1: 1 of 1,613,828 alleles (0.000062%); highest among the groups gnomAD compares: Non-Finnish European, 0.000085%; no homozygotes.

Submission:

Ambry Genetics
Classification: Uncertain significance. Last evaluated: 2026-08-31. Review status: criteria provided, single submitter. Criteria: Ambry Variant Classification Scheme 2023. Collection method: clinical testing. Allele origin: germline.
Comment: The p.H324N variant (also known as c.970C>A), located in coding exon 6 of the CTNNA3 gene, results from a C to A substitution at nucleotide position 970. The histidine at codon 324 is replaced by asparagine, an amino acid with similar properties. This amino acid position is conserved. In addition, this alteration is predicted to be tolerated by in silico analysis. Based on the available evidence, the clinical significance of this variant remains unclear.